The following is an entry in ClinVar:

NM_032043.3(BRIP1):c.66C>A (p.Tyr22Ter)

Gene: BRIP1 (BRCA1 interacting DNA helicase 1; minus strand). Cytogenetic location: 17q23.2.
Variant type: single nucleotide variant.
Coding change: c.66C>A on transcript NM_032043.3 (MANE Select); coding-DNA position 66, C replaced by A.
Protein change: p.Tyr22Ter; replaces tyrosine 22 with a stop codon.
Molecular consequence: nonsense.
Genome position (GRCh38, 1-based): chr17:61,861,474, G>T on the plus strand (C>A on the coding strand, the complement: BRIP1 is on the minus strand). VCF-style: chr17-61861474-G-T. GRCh37 (hg19) VCF-style: chr17-59938835-G-T.
Other names: short protein forms Y22*.
Identifiers: ClinVar variation 946026 (VCV000946026.13), dbSNP rs1603368431, ClinGen allele CA400485956.

ClinVar aggregate classification (germline): Pathogenic/Likely pathogenic. Review status: criteria provided, multiple submitters, no conflicts (2 of 4 stars). 3 submissions from 3 submitters: Pathogenic (2); Likely pathogenic (1). Last evaluated 2024-05-01.

Conditions:
Hereditary cancer-predisposing syndrome. Also called: Neoplastic Syndromes, Hereditary; Hereditary neoplastic syndrome; Hereditary Cancer Syndrome; Tumor predisposition. Identifiers: Orphanet 140162, MedGen C0027672, MeSH D009386, MONDO:0015356.
Familial cancer of breast. Also called: BREAST CANCER, FAMILIAL; Hereditary breast cancer; hereditary breast carcinoma. Identifiers: Orphanet 227535, MedGen C0346153, MONDO:0016419, OMIM 114480. Disease mechanism: loss of function.
Fanconi anemia complementation group J. Also called: BRIP1-Related Fanconi Anemia. Identifiers: Orphanet 84, MedGen C1836860, MONDO:0012187, OMIM 609054.

Allele frequency attached by ClinVar (database versions not stated): gnomAD exomes below 0.00001.
gnomAD v4.1: 1 of 1,613,038 alleles (0.000062%); highest among the groups gnomAD compares: Non-Finnish European, 0.000085%; no homozygotes.

Submissions (3):

Ambry Genetics
Classification: Likely pathogenic for Hereditary cancer-predisposing syndrome. Last evaluated: 2024-05-01. Review status: criteria provided, single submitter. Criteria: Ambry Variant Classification Scheme 2023. Collection method: clinical testing. Allele origin: germline.
Comment: The p.Y22* variant (also known as c.66C>A), located in coding exon 1 of the BRIP1 gene, results from a C to A substitution at nucleotide position 66. This changes the amino acid from a tyrosine to a stop codon within coding exon 1. The predicted stop codon occurs in the 5&rsquo; end of theBRIP1 gene. Premature termination codons in the 5&rsquo; end of a gene have been reported to escape nonsense-mediated mRNAdecay and/or lead to re-initiation (Rivas et al. Science. 2015 May 8;348(6235):666-9; Lindeboom et al. Nat Genet. 2016 Oct;48(10):1112-8; Rhee et al. Sci Rep. 2017 May 10;7(1):1653). Direct evidence for this alteration is unavailable, however premature termination codons are typically deleterious in nature. This variant is considered to be rare based on population cohorts in the Genome Aggregation Database (gnomAD). Based on the majority of available evidence to date, this variant is likely to be pathogenic.

Myriad Genetics, Inc.
Classification: Pathogenic for Familial cancer of breast. Last evaluated: 2023-05-30. Review status: criteria provided, single submitter. Criteria: Myriad Autosomal Dominant, Autosomal Recessive and X-Linked Classification Criteria (2023). Collection method: clinical testing. Allele origin: unknown.
Comment: This variant is considered pathogenic. This variant creates a termination codon and is predicted to result in premature protein truncation.

Labcorp Genetics (formerly Invitae), Labcorp
Classification: Pathogenic for Familial cancer of breast; Fanconi anemia complementation group J. Last evaluated: 2019-06-15. Review status: criteria provided, single submitter. Criteria: Invitae Variant Classification Sherloc (09022015). Collection method: clinical testing. Allele origin: germline.
Comment: This variant has been observed in an individual affected with breast cancer (PMID: 26315354). This sequence change creates a premature translational stop signal (p.Tyr22*) in the BRIP1 gene. It is expected to result in an absent or disrupted protein product. This variant is not present in population databases (ExAC no frequency). Loss-of-function variants in BRIP1 are known to be pathogenic (PMID: 16116423, 17033622, 21964575). For these reasons, this variant has been classified as Pathogenic.

Literature cited by the submitters: PubMed 26315354 (cited by Ambry Genetics and Labcorp Genetics (formerly Invitae), Labcorp); PubMed 16116423 (cited by Labcorp Genetics (formerly Invitae), Labcorp); PubMed 17033622 (cited by Labcorp Genetics (formerly Invitae), Labcorp); PubMed 21964575 (cited by Labcorp Genetics (formerly Invitae), Labcorp).